The following is an entry in ClinVar:

NM_001363711.2(DUOX2):c.1831+6C>T

Gene: DUOX2 (dual oxidase 2; minus strand). Cytogenetic location: 15q21.1.
Variant type: single nucleotide variant.
Coding change: c.1831+6C>T on transcript NM_001363711.2 (MANE Select); 6 bases into the intron after coding-DNA position 1831, C replaced by T.
Molecular consequence: intron variant.
Genome position (GRCh38, 1-based): chr15:45,106,826, G>A on the plus strand (C>T on the coding strand, the complement: DUOX2 is on the minus strand). VCF-style: chr15-45106826-G-A. GRCh37 (hg19) VCF-style: chr15-45399024-G-A.
Other names: c.1831+6C>T (NM_014080.5).
Identifiers: ClinVar variation 3675009 (VCV003675009.2).

ClinVar aggregate classification (germline): Uncertain significance (1 of 4 stars; one submission).

Submission:

Labcorp Genetics (formerly Invitae), Labcorp
Classification: Uncertain significance. Last evaluated: 2024-06-01. Review status: criteria provided, single submitter. Criteria: Invitae Variant Classification Sherloc (09022015). Collection method: clinical testing. Allele origin: germline.
Comment: This sequence change falls in intron 15 of the DUOX2 gene. It does not directly change the encoded amino acid sequence of the DUOX2 protein. It affects a nucleotide within the consensus splice site. This variant is not present in population databases (gnomAD no frequency). This variant has not been reported in the literature in individuals affected with DUOX2-related conditions. Variants that disrupt the consensus splice site are a relatively common cause of aberrant splicing (PMID: 17576681, 9536098). Algorithms developed to predict the effect of sequence changes on RNA splicing suggest that this variant is not likely to affect RNA splicing. In summary, the available evidence is currently insufficient to determine the role of this variant in disease. Therefore, it has been classified as a Variant of Uncertain Significance.

Literature cited by the submitters: PubMed 17576681; PubMed 9536098.